The following is an entry in ClinVar:

NM_000321.3(RB1):c.2050T>G (p.Phe684Val)

Gene: RB1 (RB transcriptional corepressor 1; plus strand). Cytogenetic location: 13q14.2.
Variant type: single nucleotide variant.
Coding change: c.2050T>G on transcript NM_000321.3 (MANE Select); coding-DNA position 2050, T replaced by G.
Protein change: p.Phe684Val; replaces phenylalanine 684 with valine.
Molecular consequence: missense variant.
Genome position (GRCh38, 1-based): chr13:48,459,777, T>G. VCF-style: chr13-48459777-T-G. GRCh37 (hg19) VCF-style: chr13-49033913-T-G.
Other names: c.2050T>G, p.Phe684Val (NM_001407165.1); short protein forms F684V.
Identifiers: ClinVar variation 3430859 (VCV003430859.2).

ClinVar aggregate classification (germline): Uncertain significance (1 of 4 stars; one submission).

Conditions:
Hereditary cancer-predisposing syndrome. Also called: Tumor predisposition; Hereditary Cancer Syndrome; Hereditary neoplastic syndrome; Neoplastic Syndromes, Hereditary. Identifiers: Orphanet 140162, MedGen C0027672, MeSH D009386, MONDO:0015356.

Submission:

Ambry Genetics
Classification: Uncertain significance for Hereditary cancer-predisposing syndrome. Last evaluated: 2026-07-30. Review status: criteria provided, single submitter. Criteria: Ambry Variant Classification Scheme 2023. Collection method: clinical testing. Allele origin: germline.
Comment: The p.F684V variant (also known as c.2050T>G), located in coding exon 20 of the RB1 gene, results from a T to G substitution at nucleotide position 2050. The phenylalanine at codon 684 is replaced by valine, an amino acid with highly similar properties. This amino acid position is well conserved in available vertebrate species. In addition, this alteration is predicted to be deleterious by in silico analysis. Based on the available evidence, the clinical significance of this variant remains unclear.